The following is an entry in ClinVar:

ClinVar aggregate classification (germline): Uncertain significance. Review status: criteria provided, multiple submitters, no conflicts (2 of 4 stars). 2 submissions from 2 submitters: Uncertain significance (2). Last evaluated 2026-03-23.

Conditions:
Distal hereditary motor neuropathy type 2. Identifiers: Orphanet 139525, MedGen C3711384, MeSH C580044, MONDO:0015352.

Allele frequency attached by ClinVar (database versions not stated): ExAC 0.00001; gnomAD 0.00001; gnomAD exomes 0.00001 and 0.00004; TOPMed 0.00003; ESP Exome Variant Server 0.00015.
gnomAD v4.1: 66 of 1,613,508 alleles (0.0041%); highest among the groups gnomAD compares: Non-Finnish European, 0.0051%; no homozygotes.

Submissions (2):

Women's Health and Genetics/Laboratory Corporation of America, LabCorp
Classification: Uncertain significance. Last evaluated: 2026-03-23. Review status: criteria provided, single submitter. Criteria: LabCorp Variant Classification Summary - May 2015. Collection method: clinical testing. Allele origin: germline.
Comment: Variant summary: FBXO38 c.340T>C (p.Tyr114His) results in a conservative amino acid change in the encoded protein sequence. Algorithms developed to predict the effect of missense changes on protein structure and function are either unavailable or do not agree on the potential impact of this missense change. The variant allele was found at a frequency of 1.2e-05 in 251168 control chromosomes. The available data on variant occurrences in the general population are insufficient to allow any conclusion about variant significance. To our knowledge, no occurrence of c.340T>C in individuals affected with FBXO38-related conditions and no experimental evidence demonstrating its impact on protein function have been reported. ClinVar contains an entry for this variant (Variation ID: 572073). Based on the evidence outlined above, the variant was classified as uncertain significance.

Labcorp Genetics (formerly Invitae), Labcorp
Classification: Uncertain significance for Distal hereditary motor neuropathy type 2. Last evaluated: 2025-06-24. Review status: criteria provided, single submitter. Criteria: Invitae Variant Classification Sherloc (09022015). Collection method: clinical testing. Allele origin: germline.
Comment: This sequence change replaces tyrosine, which is neutral and polar, with histidine, which is basic and polar, at codon 114 of the FBXO38 protein (p.Tyr114His). This variant is present in population databases (rs144375164, gnomAD 0.002%). This variant has not been reported in the literature in individuals affected with FBXO38-related conditions. ClinVar contains an entry for this variant (Variation ID: 572073). Invitae Evidence Modeling of protein sequence and biophysical properties (such as structural, functional, and spatial information, amino acid conservation, physicochemical variation, residue mobility, and thermodynamic stability) indicates that this missense variant is not expected to disrupt FBXO38 protein function with a negative predictive value of 80%. In summary, the available evidence is currently insufficient to determine the role of this variant in disease. Therefore, it has been classified as a Variant of Uncertain Significance.

NM_205836.3(FBXO38):c.340T>C (p.Tyr114His)

Gene: FBXO38 (F-box protein 38; plus strand). Cytogenetic location: 5q32.
Variant type: single nucleotide variant.
Coding change: c.340T>C on transcript NM_205836.3 (MANE Select); coding-DNA position 340, T replaced by C.
Protein change: p.Tyr114His; replaces tyrosine 114 with histidine.
Molecular consequence: missense variant.
Genome position (GRCh38, 1-based): chr5:148,402,059, T>C. VCF-style: chr5-148402059-T-C. GRCh37 (hg19) VCF-style: chr5-147781622-T-C.
Other names: c.340T>C, p.Tyr114His (NM_001271723.2, NM_030793.5); short protein forms Y114H.
Identifiers: ClinVar variation 572073 (VCV000572073.12), dbSNP rs144375164, ClinGen allele CA3497013.
Genomic context (GRCh38, chr5:148,402,059, plus strand): 5'-TTTCTAACACTATTAAAGAAGATGCCAGATGTTGAACAGCTATATGGCCTTCACCCTCGA[T>C]ACCTTGAGAGGCGAAGAGTAAGGGGCCATGAGGCTTTTAGCATTCCAGGAGTCCTAGAAG-3'
Protein context (NP_995308.1, residues 104-124): VEQLYGLHPR[Tyr114His]LERRRVRGHE